The following is an entry in ClinVar:

ClinVar aggregate classification (germline): Uncertain significance. Review status: criteria provided, multiple submitters, no conflicts (2 of 4 stars). 2 submissions from 2 submitters: Uncertain significance (2). Last evaluated 2025-05-27.

Conditions:
Emery-Dreifuss muscular dystrophy (EDMD). Also called: Scapuloperoneal syndrome, X-linked (formerly); Humeroperoneal neuromuscular disease, (formerly). Identifiers: Orphanet 261, MedGen C0410189, MONDO:0016830.

Allele frequency attached by ClinVar (database versions not stated): gnomAD 0.00004; ExAC 0.00005; TOPMed 0.00005; gnomAD exomes 0.00006; ESP Exome Variant Server 0.00015.
gnomAD v4.1: 90 of 1,613,178 alleles (0.0056%); highest among the groups gnomAD compares: Non-Finnish European, 0.0069%; no homozygotes.

Submissions (2):

Labcorp Genetics (formerly Invitae), Labcorp
Classification: Uncertain significance for Emery-Dreifuss muscular dystrophy. Last evaluated: 2025-05-27. Review status: criteria provided, single submitter. Criteria: Invitae Variant Classification Sherloc (09022015). Collection method: clinical testing. Allele origin: germline.
Comment: This sequence change replaces arginine, which is basic and polar, with glutamine, which is neutral and polar, at codon 102 of the SUN2 protein (p.Arg102Gln). This variant is present in population databases (rs373600095, gnomAD 0.008%). This variant has not been reported in the literature in individuals affected with SUN2-related conditions. ClinVar contains an entry for this variant (Variation ID: 2507500). An algorithm developed to predict the effect of missense changes on protein structure and function (PolyPhen-2) suggests that this variant is likely to be disruptive. In summary, the available evidence is currently insufficient to determine the role of this variant in disease. Therefore, it has been classified as a Variant of Uncertain Significance.

Ambry Genetics
Classification: Uncertain significance. Last evaluated: 2025-04-01. Review status: criteria provided, single submitter. Criteria: Ambry Variant Classification Scheme 2023. Collection method: clinical testing. Allele origin: germline.

NM_015374.3(SUN2):c.305G>A (p.Arg102Gln)

Gene: SUN2 (Sad1 and UNC84 domain containing 2; minus strand). Cytogenetic location: 22q13.1.
Variant type: single nucleotide variant.
Coding change: c.305G>A on transcript NM_015374.3 (MANE Select); coding-DNA position 305, G replaced by A.
Protein change: p.Arg102Gln; replaces arginine 102 with glutamine.
Molecular consequence: missense variant. On other transcripts: intron variant (4).
Genome position (GRCh38, 1-based): chr22:38,751,017, C>T on the plus strand (G>A on the coding strand, the complement: SUN2 is on the minus strand). VCF-style: chr22-38751017-C-T. GRCh37 (hg19) VCF-style: chr22-39147022-C-T.
Other names: c.305G>A, p.Arg102Gln (NM_001394444.1, NM_001394445.1, NM_001394434.1 and 11 more transcripts); c.122+1490G>A (NM_001394443.1); c.286+193G>A (NM_001394439.1, NM_001394441.1, NM_001394440.1); c.215G>A, p.Arg72Gln (NM_001394438.1); c.350G>A, p.Arg117Gln (NM_001394429.1, NM_001394430.1); short protein forms R72Q, R102Q, R117Q.
Identifiers: ClinVar variation 2507500 (VCV002507500.5), dbSNP rs373600095, ClinGen allele CA10235988.